The following is an entry in ClinVar:

NM_001082971.2(DDC):c.945G>A (p.Trp315Ter)

Gene: DDC (dopa decarboxylase; minus strand). Cytogenetic location: 7p12.2.
Variant type: single nucleotide variant.
Coding change: c.945G>A on transcript NM_001082971.2 (MANE Select); coding-DNA position 945, G replaced by A.
Protein change: p.Trp315Ter; replaces tryptophan 315 with a stop codon.
Molecular consequence: nonsense.
Genome position (GRCh38, 1-based): chr7:50,479,863, C>T on the plus strand (G>A on the coding strand, the complement: DDC is on the minus strand). VCF-style: chr7-50479863-C-T. GRCh37 (hg19) VCF-style: chr7-50547561-C-T.
Other names: c.945G>A, p.Trp315Ter (NM_000790.4); c.831G>A, p.Trp277Ter (NM_001242886.2); c.801G>A, p.Trp267Ter (NM_001242887.2); c.711G>A, p.Trp237Ter (NM_001242888.2); c.666G>A, p.Trp222Ter (NM_001242889.2); short protein forms W222*, W315*, W277*, W267*, W237*.
Identifiers: ClinVar variation 3649459 (VCV003649459.2).

ClinVar aggregate classification (germline): Pathogenic (1 of 4 stars; one submission).

Conditions:
Deficiency of aromatic-L-amino-acid decarboxylase. Also called: AADC DEFICIENCY; DDC DEFICIENCY; DOPA DECARBOXYLASE DEFICIENCY; Aromatic L-Amino Acid Decarboxylase Deficiency; Aromatic amino acid decarboxylase deficiency. Identifiers: Orphanet 35708, MedGen C1291564, MONDO:0012084, OMIM 608643.

Submission:

Labcorp Genetics (formerly Invitae), Labcorp
Classification: Pathogenic for Deficiency of aromatic-L-amino-acid decarboxylase. Last evaluated: 2024-04-10. Review status: criteria provided, single submitter. Criteria: Invitae Variant Classification Sherloc (09022015). Collection method: clinical testing. Allele origin: germline.
Comment: This sequence change creates a premature translational stop signal (p.Trp315*) in the DDC gene. It is expected to result in an absent or disrupted protein product. Loss-of-function variants in DDC are known to be pathogenic (PMID: 15079002, 24788355). This variant is not present in population databases (gnomAD no frequency). This variant has not been reported in the literature in individuals affected with DDC-related conditions. For these reasons, this variant has been classified as Pathogenic.

Literature cited by the submitters: PubMed 15079002; PubMed 24788355.